The following is an entry in ClinVar:

ClinVar aggregate classification (germline): Benign/Likely benign. Review status: criteria provided, multiple submitters, no conflicts (2 of 4 stars). 3 submissions from 3 submitters: Benign (1); Likely benign (1). 1 of the submissions does not count toward it. Last evaluated 2026-01-28.

Conditions:
KCNK4-related disorder. Also called: KCNK4-related condition.

Allele frequency attached by ClinVar (database versions not stated): gnomAD exomes 0.00008 and 0.00019; ExAC 0.00025; 1000 Genomes Project 30x 0.00047; 1000 Genomes Project 0.00060; gnomAD 0.00078 and 0.00084; TOPMed 0.00085; ESP Exome Variant Server 0.00100.

Submissions (3):

Labcorp Genetics (formerly Invitae), Labcorp
Classification: Benign. Last evaluated: 2026-01-28. Review status: criteria provided, single submitter. Criteria: Invitae Variant Classification Sherloc (09022015). Collection method: clinical testing. Allele origin: germline.

Blueprint Genetics
Classification: Likely benign. Last evaluated: 2023-12-14. Review status: criteria provided, single submitter. Criteria: ACMG Guidelines, 2015. Collection method: clinical testing. Allele origin: germline.

PreventionGenetics, part of Exact Sciences
Classification: Likely benign for KCNK4-related condition. Last evaluated: 2019-06-17. Review status: no assertion criteria provided. Collection method: clinical testing. Allele origin: germline. Not counted in ClinVar's aggregate classification.
Comment: This variant is classified as likely benign based on ACMG/AMP sequence variant interpretation guidelines (Richards et al. 2015 PMID: 25741868, with internal and published modifications).

NM_033310.3(KCNK4):c.324T>C (p.Asn108=)

Genes: KCNK4 (potassium two pore domain channel subfamily K member 4; plus strand), KCNK4-CATSPERZ (KCNK4-CATSPERZ readthrough (NMD candidate); plus strand). Cytogenetic location: 11q13.1.
Variant type: single nucleotide variant.
Coding change: c.324T>C on transcript NM_033310.3 (MANE Select); coding-DNA position 324, T replaced by C.
Protein change: p.Asn108=; no amino-acid change (asparagine 108 retained).
Molecular consequence: synonymous variant. On other transcripts: non-coding transcript variant (3).
Genome position (GRCh38, 1-based): chr11:64,297,129, T>C. VCF-style: chr11-64297129-T-C. GRCh37 (hg19) VCF-style: chr11-64064601-T-C.
Other names: c.324T>C, p.Asn108= (NM_001317090.2); c.324T>C (NM_033310.2).
Identifiers: ClinVar variation 1606488 (VCV001606488.11), dbSNP rs145730818, ClinGen allele CA6073020.